The following is an entry in ClinVar:

NM_006031.6(PCNT):c.7204G>A (p.Glu2402Lys)

Gene: PCNT (pericentrin; plus strand). Cytogenetic location: 21q22.3.
Variant type: single nucleotide variant.
Coding change: c.7204G>A on transcript NM_006031.6 (MANE Select); coding-DNA position 7204, G replaced by A.
Protein change: p.Glu2402Lys; replaces glutamic acid 2402 with lysine.
Molecular consequence: missense variant.
Genome position (GRCh38, 1-based): chr21:46,425,855, G>A. VCF-style: chr21-46425855-G-A. GRCh37 (hg19) VCF-style: chr21-47845769-G-A.
Other names: c.6850G>A, p.Glu2284Lys (NM_001315529.2); short protein forms E2284K, E2402K.
Identifiers: ClinVar variation 1914025 (VCV001914025.4), dbSNP rs779669784, ClinGen allele CA10080573.

ClinVar aggregate classification (germline): Uncertain significance. Review status: criteria provided, multiple submitters, no conflicts (2 of 4 stars). 2 submissions from 2 submitters: Uncertain significance (2). Last evaluated 2023-12-29.

Conditions:
Microcephalic osteodysplastic primordial dwarfism type II (MOPD2). Also called: Microcephalic osteodysplastic primordial dwarfism with tooth abnormalities; MOPD II; OSTEODYSPLASTIC PRIMORDIAL DWARFISM, TYPE II. Identifiers: Orphanet 2637, MedGen C0432246, MONDO:0008872, OMIM 210720.

Allele frequency attached by ClinVar (database versions not stated): ExAC 0.00001; TOPMed 0.00001.
gnomAD v4.1: 14 of 1,613,592 alleles (0.00087%); highest among the groups gnomAD compares: South Asian, 0.0022%; no homozygotes.

Submissions (2):

Fulgent Genetics
Classification: Uncertain significance for Microcephalic osteodysplastic primordial dwarfism type II. Last evaluated: 2023-12-29. Review status: criteria provided, single submitter. Criteria: ACMG Guidelines, 2015. Collection method: clinical testing. Allele origin: germline.

Labcorp Genetics (formerly Invitae), Labcorp
Classification: Uncertain significance. Last evaluated: 2023-10-13. Review status: criteria provided, single submitter. Criteria: Invitae Variant Classification Sherloc (09022015). Collection method: clinical testing. Allele origin: germline.
Comment: This sequence change replaces glutamic acid, which is acidic and polar, with lysine, which is basic and polar, at codon 2402 of the PCNT protein (p.Glu2402Lys). This variant is present in population databases (rs779669784, gnomAD 0.003%). This variant has not been reported in the literature in individuals affected with PCNT-related conditions. ClinVar contains an entry for this variant (Variation ID: 1914025). An algorithm developed to predict the effect of missense changes on protein structure and function (PolyPhen-2) suggests that this variant is likely to be disruptive. In summary, the available evidence is currently insufficient to determine the role of this variant in disease. Therefore, it has been classified as a Variant of Uncertain Significance.